The following is an entry in ClinVar:

NM_033453.4(ITPA):c.540G>A (p.Arg180=)

Gene: ITPA (inosine triphosphatase; plus strand). Cytogenetic location: 20p13.
Variant type: single nucleotide variant.
Coding change: c.540G>A on transcript NM_033453.4 (MANE Select); coding-DNA position 540, G replaced by A.
Protein change: p.Arg180=; no amino-acid change (arginine 180 retained).
Molecular consequence: synonymous variant. On other transcripts: missense variant (4), non-coding transcript variant (2), intron variant (1).
Genome position (GRCh38, 1-based): chr20:3,223,417, G>A. VCF-style: chr20-3223417-G-A. GRCh37 (hg19) VCF-style: chr20-3204063-G-A.
Other names: c.417G>A, p.Arg139= (NM_001267623.2); c.203G>A, p.Gly68Glu (NM_001324236.2, NM_001324237.2, NM_001324238.2 and 1 more transcripts); c.489G>A, p.Arg163= (NM_181493.4); c.412-3266G>A (NM_001324240.2); short protein forms G68E.
Identifiers: ClinVar variation 789522 (VCV000789522.35), dbSNP rs202174987, ClinGen allele CA9741366.

ClinVar aggregate classification (germline): Benign/Likely benign. Review status: criteria provided, multiple submitters, no conflicts (2 of 4 stars). 3 submissions from 3 submitters: Benign (1); Likely benign (2). Last evaluated 2026-01-28.

Conditions:
Inosine triphosphatase deficiency. Also called: INOSINE TRIPHOSPHATE PYROPHOSPHOHYDROLASE DEFICIENCY. Identifiers: MedGen C0342800, MONDO:0013461, OMIM 613850.

Allele frequency attached by ClinVar (database versions not stated): ESP Exome Variant Server 0.00015; TOPMed 0.00016; gnomAD 0.00039 and 0.00042; 1000 Genomes Project 30x 0.00047; 1000 Genomes Project 0.00060; gnomAD exomes 0.00090; ExAC 0.00093.
gnomAD v4.1: 646 of 1,613,880 alleles (0.04%); highest among the groups gnomAD compares: East Asian, 0.31%; 3 homozygotes.

Submissions (3):

Labcorp Genetics (formerly Invitae), Labcorp
Classification: Benign for Inosine triphosphatase deficiency. Last evaluated: 2026-01-28. Review status: criteria provided, single submitter. Criteria: Invitae Variant Classification Sherloc (09022015). Collection method: clinical testing. Allele origin: germline.

Blueprint Genetics
Classification: Likely benign. Last evaluated: 2024-10-04. Review status: criteria provided, single submitter. Criteria: ACMG Guidelines, 2015. Collection method: clinical testing. Allele origin: germline.

CeGaT Center for Human Genetics Tuebingen
Classification: Likely benign. Last evaluated: 2024-10-01. Review status: criteria provided, single submitter. Criteria: CeGaT Center For Human Genetics Tuebingen Variant Classification Criteria Version 2. Collection method: clinical testing. Allele origin: germline. Affected: yes. Observed: 5 variant alleles.
Comment: ITPA: BP4, BP7